The following is an entry in ClinVar:

NM_001145026.2(PTPRQ):c.73G>A (p.Val25Ile)

Gene: PTPRQ (protein tyrosine phosphatase receptor type Q; plus strand). Cytogenetic location: 12q21.31.
Variant type: single nucleotide variant.
Coding change: c.73G>A on transcript NM_001145026.2 (MANE Select); coding-DNA position 73, G replaced by A.
Protein change: p.Val25Ile; replaces valine 25 with isoleucine.
Molecular consequence: missense variant.
Genome position (GRCh38, 1-based): chr12:80,444,759, G>A. VCF-style: chr12-80444759-G-A. GRCh37 (hg19) VCF-style: chr12-80838539-G-A.
Other names: short protein forms V25I.
Identifiers: ClinVar variation 2392902 (VCV002392902.31), dbSNP rs949379148, ClinGen allele CA240213310.

ClinVar aggregate classification (germline): Uncertain significance. Review status: criteria provided, multiple submitters, no conflicts (2 of 4 stars). 2 submissions from 2 submitters: Uncertain significance (2). Last evaluated 2025-07-02.

Conditions:
Inborn genetic diseases. Identifiers: MedGen C0950123, MeSH D030342.

Allele frequency attached by ClinVar (database versions not stated): gnomAD exomes 0.00002; TOPMed 0.00002; gnomAD 0.00003.
gnomAD v4.1: 34 of 1,538,752 alleles (0.0022%); highest among the groups gnomAD compares: East Asian, 0.005%; no homozygotes.

Submissions (2):

Ambry Genetics
Classification: Uncertain significance for Inborn genetic diseases. Last evaluated: 2025-07-02. Review status: criteria provided, single submitter. Criteria: Ambry Variant Classification Scheme 2023. Collection method: clinical testing. Allele origin: germline.

CeGaT Center for Human Genetics Tuebingen
Classification: Uncertain significance. Last evaluated: 2023-03-01. Review status: criteria provided, single submitter. Criteria: CeGaT Center For Human Genetics Tuebingen Variant Classification Criteria Version 2. Collection method: clinical testing. Allele origin: germline. Affected: yes. Observed: 1 variant allele.
Comment: PTPRQ: PM2, BP4